The following is an entry in ClinVar:

NM_001034853.2(RPGR):c.1054_1058del (p.Lys352fs)

Gene: RPGR (retinitis pigmentosa GTPase regulator; minus strand). Cytogenetic location: Xp11.4.
Variant type: Deletion.
Coding change: c.1054_1058del on transcript NM_001034853.2 (MANE Select); coding-DNA positions 1054 to 1058, 5 bases deleted (AAATT; older notation c.1054_1058delAAATT).
Protein change: p.Lys352fs; shifts the reading frame from lysine 352.
Molecular consequence: frameshift variant. On other transcripts: non-coding transcript variant (6).
Genome position (GRCh38, 1-based): chrX:38,301,248-38,301,252, AATTT deleted on the plus strand (AAATT on the coding strand, the reverse complement: RPGR is on the minus strand); deleting any 5 consecutive bases within chrX:38,301,248-38,301,254 gives the same sequence; the c. name uses the placement nearest the transcript's 3' end. VCF-style (leftmost placement, unchanged base first): chrX-38301247-CAATTT-C. GRCh37 (hg19) VCF-style: chrX-38160500-CAATTT-C.
Other names: c.1054_1058delAAATT (NM_001034853.1); c.1054_1058del, p.Lys352fs (NM_000328.3, NM_001367246.1, NM_001367247.1 and 1 more transcripts); c.1051_1055del, p.Lys351fs (NM_001367245.1, NM_001367249.1, NM_001367250.1); c.1084_1088del, p.Lys362fs (NM_001367248.1); short protein forms K352fs, K351fs, K362fs.
Identifiers: ClinVar variation 524070 (VCV000524070.4), dbSNP rs1555965081, ClinGen allele CA658799694.
Genomic context (GRCh38, chrX:38,301,247, plus strand): 5'-TACTGAAAGACTCAAATACAGTAATATGAAAATATAAACAGGGAAATGTGATGCCCTTAC[CAATTT>C]AACTATAAACCTCAAAAAATTAGAGCACAAAGTAGGAATGAAGTGATTGGTAAAATTCTC-3'

ClinVar aggregate classification (germline): Pathogenic. Review status: criteria provided, multiple submitters, no conflicts (2 of 4 stars). 2 submissions from 2 submitters: Pathogenic (2). Last evaluated 2021-05-18.

Submissions (2):

PreventionGenetics, part of Exact Sciences
Classification: Pathogenic. Last evaluated: 2021-05-18. Review status: criteria provided, single submitter. Criteria: ACMG Guidelines, 2015. Collection method: clinical testing. Allele origin: germline.

GeneDx
Classification: Pathogenic. Last evaluated: 2018-04-02. Review status: criteria provided, single submitter. Criteria: GeneDx Variant Classification (06012015). Collection method: clinical testing. Allele origin: germline. Affected: yes.
Comment: The c.1054_1058delAAATT variant in the RPGR gene has not been reported previously as a pathogenic variant nor as a benign variant, to our knowledge. The c.1054_1058delAAATT variant causes a frameshift starting with codon Lysine 352, changes this amino acid to a Glycine residue, and creates a premature Stop codon at position 23 of the new reading frame, denoted p.Lys352GlyfsX23. This variant is predicted to cause loss of normal protein function either through protein truncation or nonsense-mediated mRNA decay. The c.1054_1058delAAATT variant is not observed in large population cohorts (Lek et al., 2016). We interpret c.1054_1058delAAATT as a pathogenic variant.